The following is an entry in ClinVar:

NM_016507.4(CDK12):c.541A>C (p.Lys181Gln)

Genes: CDK12 (cyclin dependent kinase 12; plus strand), LOC126862553 (CDK7 strongly-dependent group 2 enhancer GRCh37_chr17:37618166-37619365; plus strand). Cytogenetic location: 17q12.
Variant type: single nucleotide variant.
Coding change: c.541A>C on transcript NM_016507.4 (MANE Select); coding-DNA position 541, A replaced by C.
Protein change: p.Lys181Gln; replaces lysine 181 with glutamine.
Molecular consequence: missense variant.
Genome position (GRCh38, 1-based): chr17:39,462,612, A>C. VCF-style: chr17-39462612-A-C. GRCh37 (hg19) VCF-style: chr17-37618865-A-C.
Other names: c.541A>C, p.Lys181Gln (NM_015083.4); short protein forms K181Q.
Identifiers: ClinVar variation 4224348 (VCV004224348.1).

ClinVar aggregate classification (germline): Uncertain significance (1 of 4 stars; one submission).

Submission:

Ambry Genetics
Classification: Uncertain significance. Last evaluated: 2025-08-04. Review status: criteria provided, single submitter. Criteria: Ambry Variant Classification Scheme 2023. Collection method: clinical testing. Allele origin: germline.
Comment: The p.K181Q variant (also known as c.541A>C), located in coding exon 1 of the CDK12 gene, results from an A to C substitution at nucleotide position 541. The lysine at codon 181 is replaced by glutamine, an amino acid with similar properties. This amino acid position is conserved. In addition, this alteration is predicted to be tolerated by in silico analysis. Based on the available evidence, the clinical significance of this variant remains unclear.